The following is an entry in ClinVar:

ClinVar aggregate classification (germline): Likely benign. Review status: criteria provided, multiple submitters, no conflicts (2 of 4 stars). 2 submissions from 2 submitters: Likely benign (2). Last evaluated 2025-12-01.

Conditions:
Charcot-Marie-Tooth disease type 2B (CMT2B). Also called: CHARCOT-MARIE-TOOTH DISEASE, AXONAL, TYPE 2B; CHARCOT-MARIE-TOOTH DISEASE, AUTOSOMAL DOMINANT, TYPE 2B; HEREDITARY MOTOR AND SENSORY NEUROPATHY IIB; Charcot-Marie-Tooth Neuropathy Type 2B. Identifiers: Orphanet 99936, MedGen C1833219, MONDO:0010949, OMIM 600882.

Allele frequency attached by ClinVar (database versions not stated): gnomAD exomes below 0.00001.
gnomAD v4.1: 3 of 1,613,780 alleles (0.00019%); highest among the groups gnomAD compares: Non-Finnish European, 0.00025%; no homozygotes.

Submissions (2):

CeGaT Center for Human Genetics Tuebingen
Classification: Likely benign. Last evaluated: 2025-12-01. Review status: criteria provided, single submitter. Criteria: CeGaT Center For Human Genetics Tuebingen Variant Classification Criteria Version 2. Collection method: clinical testing. Allele origin: germline. Affected: yes. Observed: 1 variant allele.
Comment: RAB7A: BP4, BP7

Labcorp Genetics (formerly Invitae), Labcorp
Classification: Likely benign for Charcot-Marie-Tooth disease type 2B. Last evaluated: 2024-06-25. Review status: criteria provided, single submitter. Criteria: Invitae Variant Classification Sherloc (09022015). Collection method: clinical testing. Allele origin: germline.

NM_004637.6(RAB7A):c.99C>T (p.Phe33=)

Gene: RAB7A (RAB7A, member RAS oncogene family; plus strand). Cytogenetic location: 3q21.3.
Variant type: single nucleotide variant.
Coding change: c.99C>T on transcript NM_004637.6 (MANE Select); coding-DNA position 99, C replaced by T.
Protein change: p.Phe33=; no amino-acid change (phenylalanine 33 retained).
Molecular consequence: synonymous variant.
Genome position (GRCh38, 1-based): chr3:128,797,988, C>T. VCF-style: chr3-128797988-C-T. GRCh37 (hg19) VCF-style: chr3-128516831-C-T.
Identifiers: ClinVar variation 2699344 (VCV002699344.8), dbSNP rs2529127228, ClinGen allele CA435700049.